The following is an entry in ClinVar:

ClinVar aggregate classification (germline): Benign. Review status: criteria provided, multiple submitters, no conflicts (2 of 4 stars). 2 submissions from 2 submitters: Benign (2). Last evaluated 2018-01-12.

Conditions:
Holoprosencephaly 11 (HPE11). Identifiers: Orphanet 2162, MedGen C3280215, MONDO:0013642, OMIM 614226.

Allele frequency attached by ClinVar (database versions not stated): 1000 Genomes Project 0.17772; gnomAD 0.08578 and 0.08788.

Submissions (2):

Illumina Laboratory Services, Illumina
Classification: Benign for Holoprosencephaly 11. Last evaluated: 2018-01-12. Review status: criteria provided, single submitter. Criteria: ICSL Variant Classification Criteria 13 December 2019. Collection method: clinical testing. Allele origin: germline.
Comment: This variant was observed in the ICSL laboratory as part of a predisposition screen in an ostensibly healthy population. It had not been previously curated by ICSL or reported in the Human Gene Mutation Database (HGMD: prior to June 1st, 2018), and was therefore a candidate for classification through an automated scoring system. Utilizing variant allele frequency, disease prevalence and penetrance estimates, and inheritance mode, an automated score was calculated to assess if this variant is too frequent to cause the disease. Based on the score and internal cut-off values, a variant classified as benign is not then subjected to further curation. The score for this variant resulted in a classification of benign for this disease.

Breakthrough Genomics
Classification: Benign. Review status: criteria provided, single submitter. Criteria: ACMG Guidelines, 2015. Collection method: not provided. Allele origin: germline. Inheritance: Autosomal dominant inheritance. Affected: yes.

NM_001378964.1(CDON):c.*2379T>C

Gene: CDON (cell adhesion associated, oncogene regulated; minus strand). Cytogenetic location: 11q24.2.
Variant type: single nucleotide variant.
Coding change: c.*2379T>C on transcript NM_001378964.1 (MANE Select); 2379 bases downstream of the stop codon, T replaced by C.
Molecular consequence: 3 prime UTR variant.
Genome position (GRCh38, 1-based): chr11:125,958,563, A>G on the plus strand (T>C on the coding strand, the complement: CDON is on the minus strand). VCF-style: chr11-125958563-A-G. GRCh37 (hg19) VCF-style: chr11-125828458-A-G.
Other names: c.*2379T>C (NM_001243597.3, NM_016952.6).
Identifiers: ClinVar variation 303420 (VCV000303420.6), dbSNP rs562083604, ClinGen allele CA10634028.